The following is an entry in ClinVar:

NM_001193313.2(SUGCT):c.103A>G (p.Met35Val)

Gene: SUGCT (succinyl-CoA:glutarate-CoA transferase; plus strand). Cytogenetic location: 7p14.1.
Variant type: single nucleotide variant.
Coding change: c.103A>G on transcript NM_001193313.2 (MANE Select); coding-DNA position 103, A replaced by G.
Protein change: p.Met35Val; replaces methionine 35 with valine.
Molecular consequence: missense variant.
Genome position (GRCh38, 1-based): chr7:40,180,949, A>G. VCF-style: chr7-40180949-A-G. GRCh37 (hg19) VCF-style: chr7-40220548-A-G.
Other names: c.103A>G, p.Met35Val (NM_001193311.2, NM_001193312.2, NM_024728.3); c.124A>G (NM_024728.2); short protein forms M35V.
Identifiers: ClinVar variation 1470179 (VCV001470179.7), dbSNP rs372464576, ClinGen allele CA4229329.

ClinVar aggregate classification (germline): Uncertain significance. Review status: criteria provided, multiple submitters, no conflicts (2 of 4 stars). 2 submissions from 2 submitters: Uncertain significance (2). Last evaluated 2026-01-12.

Allele frequency attached by ClinVar (database versions not stated): ExAC 0.00003; gnomAD exomes 0.00003; gnomAD 0.00004; TOPMed 0.00004; ESP Exome Variant Server 0.00008.
gnomAD v4.1: 47 of 1,605,364 alleles (0.0029%); highest among the groups gnomAD compares: Non-Finnish European, 0.0038%; no homozygotes.

Submissions (2):

Labcorp Genetics (formerly Invitae), Labcorp
Classification: Uncertain significance. Last evaluated: 2026-01-12. Review status: criteria provided, single submitter. Criteria: Invitae Variant Classification Sherloc (09022015). Collection method: clinical testing. Allele origin: germline.
Comment: This sequence change replaces methionine, which is neutral and non-polar, with valine, which is neutral and non-polar, at codon 42 of the SUGCT protein (p.Met42Val). This variant is present in population databases (rs372464576, gnomAD 0.005%). This variant has not been reported in the literature in individuals affected with SUGCT-related conditions. ClinVar contains an entry for this variant (Variation ID: 1470179). Experimental studies and prediction algorithms are not available or were not evaluated, and the functional significance of this variant is currently unknown. In summary, the available evidence is currently insufficient to determine the role of this variant in disease. Therefore, it has been classified as a Variant of Uncertain Significance.

Ambry Genetics
Classification: Uncertain significance. Last evaluated: 2023-02-16. Review status: criteria provided, single submitter. Criteria: Ambry Variant Classification Scheme 2023. Collection method: clinical testing. Allele origin: germline.